The following is an entry in ClinVar:

NM_032638.5(GATA2):c.436G>T (p.Gly146Cys)

Gene: GATA2 (GATA binding protein 2; minus strand). Cytogenetic location: 3q21.3.
Variant type: single nucleotide variant.
Coding change: c.436G>T on transcript NM_032638.5 (MANE Select); coding-DNA position 436, G replaced by T.
Protein change: p.Gly146Cys; replaces glycine 146 with cysteine.
Molecular consequence: missense variant.
Genome position (GRCh38, 1-based): chr3:128,486,162, C>A on the plus strand (G>T on the coding strand, the complement: GATA2 is on the minus strand). VCF-style: chr3-128486162-C-A. GRCh37 (hg19) VCF-style: chr3-128205005-C-A.
Other names: c.436G>T, p.Gly146Cys (NM_001145661.2, NM_001145662.1); short protein forms G146C.
Identifiers: ClinVar variation 4262139 (VCV004262139.1).

ClinVar aggregate classification (germline): Uncertain significance (1 of 4 stars; one submission).

Conditions:
Inborn genetic diseases. Identifiers: MedGen C0950123, MeSH D030342.

Submission:

Ambry Genetics
Classification: Uncertain significance for Inborn genetic diseases. Last evaluated: 2025-08-14. Review status: criteria provided, single submitter. Criteria: Ambry Variant Classification Scheme 2023. Collection method: clinical testing. Allele origin: germline.
Comment: The p.G146C variant (also known as c.436G>T), located in coding exon 2 of the GATA2 gene, results from a G to T substitution at nucleotide position 436. The glycine at codon 146 is replaced by cysteine, an amino acid with highly dissimilar properties. This amino acid position is conserved. In addition, the in silico prediction for this alteration is inconclusive. Based on the available evidence, the clinical significance of this variant remains unclear.